The following is an entry in ClinVar:

ClinVar aggregate classification (germline): Uncertain significance (1 of 4 stars; one submission).

Submission:

GeneDx
Classification: Uncertain significance. Last evaluated: 2024-02-20. Review status: criteria provided, single submitter. Criteria: GeneDx Variant Classification Process June 2021. Collection method: clinical testing. Allele origin: germline. Affected: yes.
Comment: Not observed at significant frequency in large population cohorts (gnomAD); In silico analysis supports that this missense variant has a deleterious effect on protein structure/function; Has not been previously published as pathogenic or benign to our knowledge; This variant is associated with the following publications: (PMID: 20681998, 33767344)

NM_000540.3(RYR1):c.14129C>G (p.Pro4710Arg)

Gene: RYR1 (ryanodine receptor 1; plus strand). Cytogenetic location: 19q13.2.
Variant type: single nucleotide variant.
Coding change: c.14129C>G on transcript NM_000540.3 (MANE Select); coding-DNA position 14129, C replaced by G.
Protein change: p.Pro4710Arg; replaces proline 4710 with arginine.
Molecular consequence: missense variant.
Genome position (GRCh38, 1-based): chr19:38,573,307, C>G. VCF-style: chr19-38573307-C-G. GRCh37 (hg19) VCF-style: chr19-39063947-C-G.
Other names: c.14114C>G, p.Pro4705Arg (NM_001042723.2); short protein forms P4705R, P4710R.
Identifiers: ClinVar variation 3369347 (VCV003369347.1).